The following is an entry in ClinVar:

NM_022114.4(PRDM16):c.2798G>A (p.Arg933Gln)

Gene: PRDM16 (PR/SET domain 16; plus strand). Cytogenetic location: 1p36.32.
Variant type: single nucleotide variant.
Coding change: c.2798G>A on transcript NM_022114.4 (MANE Select); coding-DNA position 2798, G replaced by A.
Protein change: p.Arg933Gln; replaces arginine 933 with glutamine.
Molecular consequence: missense variant.
Genome position (GRCh38, 1-based): chr1:3,417,934, G>A. VCF-style: chr1-3417934-G-A. GRCh37 (hg19) VCF-style: chr1-3334498-G-A.
Other names: c.2798G>A, p.Arg933Gln (NM_199454.3); short protein forms R933Q.
Identifiers: ClinVar variation 576146 (VCV000576146.7), dbSNP rs572092688, ClinGen allele CA544609.
Genomic context (GRCh38, chr1:3,417,934, plus strand): 5'-CCATGAAGGCGGACTCGGGCAGCTCCCTGCAGCCCCTCCCCCACCACCCCTTCAACTTCC[G>A]GTCCCCACCCCCAACGCTCTCCGACCCCATCCTCAGGAAGGGCAAGGAGCGATACACGTG-3'
Protein context (NP_071397.3, residues 923-943): QPLPHHPFNF[Arg933Gln]SPPPTLSDPI

ClinVar aggregate classification (germline): Uncertain significance (1 of 4 stars; one submission).

Conditions:
Left ventricular noncompaction 8 (LVNC8). Identifiers: Orphanet 154, Orphanet 54260, MedGen C3809288, MONDO:0014152, OMIM 615373.

Allele frequency attached by ClinVar (database versions not stated): TOPMed 0.00002; 1000 Genomes Project 30x 0.00016; 1000 Genomes Project 0.00020; ExAC 0.00001; gnomAD 0.00001.
gnomAD v4.1: 13 of 1,468,138 alleles (0.00089%); highest among the groups gnomAD compares: African/African-American, 0.0058%; no homozygotes.

Submission:

Labcorp Genetics (formerly Invitae), Labcorp
Classification: Uncertain significance for Left ventricular noncompaction 8. Last evaluated: 2024-07-21. Review status: criteria provided, single submitter. Criteria: Invitae Variant Classification Sherloc (09022015). Collection method: clinical testing. Allele origin: germline.
Comment: This sequence change replaces arginine, which is basic and polar, with glutamine, which is neutral and polar, at codon 933 of the PRDM16 protein (p.Arg933Gln). This variant is present in population databases (rs572092688, gnomAD 0.01%). This variant has not been reported in the literature in individuals affected with PRDM16-related conditions. ClinVar contains an entry for this variant (Variation ID: 576146). An algorithm developed to predict the effect of missense changes on protein structure and function (PolyPhen-2) suggests that this variant is likely to be tolerated. In summary, the available evidence is currently insufficient to determine the role of this variant in disease. Therefore, it has been classified as a Variant of Uncertain Significance.